The following is an entry in ClinVar:

NM_032578.4(MYPN):c.3493+65G>A

Gene: MYPN (myopalladin; plus strand). Cytogenetic location: 10q21.3.
Variant type: single nucleotide variant.
Coding change: c.3493+65G>A on transcript NM_032578.4 (MANE Select); 65 bases into the intron after coding-DNA position 3493, G replaced by A.
Molecular consequence: intron variant.
Genome position (GRCh38, 1-based): chr10:68,199,640, G>A. VCF-style: chr10-68199640-G-A. GRCh37 (hg19) VCF-style: chr10-69959397-G-A.
Other names: c.3493+65G>A (NM_001256267.2); c.2611+65G>A (NM_001256268.2).
Identifiers: ClinVar variation 672872 (VCV000672872.2), dbSNP rs7079974, ClinGen allele CA15651599.

ClinVar aggregate classification (germline): Benign. Review status: criteria provided, multiple submitters, no conflicts (2 of 4 stars). 2 submissions from 2 submitters: Benign (2). Last evaluated 2018-06-16.

Allele frequency attached by ClinVar (database versions not stated): 1000 Genomes Project 30x 0.35665; 1000 Genomes Project 0.35823; TOPMed 0.40370; gnomAD 0.42085 and 0.42215; gnomAD exomes 0.47317.
gnomAD v4.1: 702,985 of 1,506,770 alleles (47%); highest among the groups gnomAD compares: Non-Finnish European, 49%; 167,513 homozygotes.

Submissions (2):

GeneDx
Classification: Benign. Last evaluated: 2018-06-16. Review status: criteria provided, single submitter. Criteria: GeneDx Variant Classification (06012015). Collection method: clinical testing. Allele origin: germline. Affected: yes.
Comment: This variant is considered likely benign or benign based on one or more of the following criteria: it is a conservative change, it occurs at a poorly conserved position in the protein, it is predicted to be benign by multiple in silico algorithms, and/or has population frequency not consistent with disease.

Breakthrough Genomics
Classification: Benign. Review status: criteria provided, single submitter. Criteria: ACMG Guidelines, 2015. Collection method: not provided. Allele origin: germline. Inheritance: Autosomal recessive inheritance. Affected: yes.